The following is an entry in ClinVar:

NM_014425.5(INVS):c.2851G>A (p.Asp951Asn)

Gene: INVS (inversin; plus strand). Cytogenetic location: 9q31.1.
Variant type: single nucleotide variant.
Coding change: c.2851G>A on transcript NM_014425.5 (MANE Select); coding-DNA position 2851, G replaced by A.
Protein change: p.Asp951Asn; replaces aspartic acid 951 with asparagine.
Molecular consequence: missense variant. On other transcripts: non-coding transcript variant (1).
Genome position (GRCh38, 1-based): chr9:100,296,981, G>A. VCF-style: chr9-100296981-G-A. GRCh37 (hg19) VCF-style: chr9-103059263-G-A.
Other names: c.2563G>A, p.Asp855Asn (NM_001318381.2); c.1873G>A, p.Asp625Asn (NM_001318382.2); short protein forms D625N, D855N, D951N.
Identifiers: ClinVar variation 1352341 (VCV001352341.8), dbSNP rs1833809920, ClinGen allele CA374245079.

ClinVar aggregate classification (germline): Uncertain significance (1 of 4 stars; one submission).

Conditions:
Nephronophthisis. Also called: Juvenile Nephronophthisis. Identifiers: Orphanet 655, MedGen C0687120, MONDO:0019005, HP:0000090.

Allele frequency attached by ClinVar (database versions not stated): gnomAD exomes below 0.00001; TOPMed below 0.00001; gnomAD 0.00001.
gnomAD v4.1: 2 of 1,613,958 alleles (0.00012%); highest among the groups gnomAD compares: Non-Finnish European, 0.00017%; no homozygotes.

Submission:

Labcorp Genetics (formerly Invitae), Labcorp
Classification: Uncertain significance for Nephronophthisis. Last evaluated: 2022-06-27. Review status: criteria provided, single submitter. Criteria: Invitae Variant Classification Sherloc (09022015). Collection method: clinical testing. Allele origin: germline.
Comment: Algorithms developed to predict the effect of missense changes on protein structure and function (SIFT, PolyPhen-2, Align-GVGD) all suggest that this variant is likely to be tolerated. This sequence change replaces aspartic acid, which is acidic and polar, with asparagine, which is neutral and polar, at codon 951 of the INVS protein (p.Asp951Asn). This variant is not present in population databases (gnomAD no frequency). This variant has not been reported in the literature in individuals affected with INVS-related conditions. In summary, the available evidence is currently insufficient to determine the role of this variant in disease. Therefore, it has been classified as a Variant of Uncertain Significance.